The following is an entry in ClinVar:

NM_000400.4(ERCC2):c.593C>T (p.Ser198Leu)

Gene: ERCC2 (ERCC excision repair 2, TFIIH core complex helicase subunit; minus strand). Cytogenetic location: 19q13.32.
Variant type: single nucleotide variant.
Coding change: c.593C>T on transcript NM_000400.4 (MANE Select); coding-DNA position 593, C replaced by T.
Protein change: p.Ser198Leu; replaces serine 198 with leucine.
Molecular consequence: missense variant.
Genome position (GRCh38, 1-based): chr19:45,364,839, G>A on the plus strand (C>T on the coding strand, the complement: ERCC2 is on the minus strand). VCF-style: chr19-45364839-G-A. GRCh37 (hg19) VCF-style: chr19-45868097-G-A.
Other names: c.521C>T, p.Ser174Leu (NM_001130867.2); short protein forms S174L, S198L.
Identifiers: ClinVar variation 1750614 (VCV001750614.4), dbSNP rs767895008, ClinGen allele CA9513736.

ClinVar aggregate classification (germline): Uncertain significance. Review status: criteria provided, multiple submitters, no conflicts (2 of 4 stars). 3 submissions from 3 submitters: Uncertain significance (3). Last evaluated 2025-05-12.

Conditions:
Inborn genetic diseases. Identifiers: MedGen C0950123, MeSH D030342.

Allele frequency attached by ClinVar (database versions not stated): ExAC 0.00001; TOPMed 0.00001; gnomAD 0.00002.
gnomAD v4.1: 8 of 1,607,184 alleles (0.0005%); highest among the groups gnomAD compares: South Asian, 0.0011%; no homozygotes.

Submissions (3):

GeneDx
Classification: Uncertain significance. Last evaluated: 2025-05-12. Review status: criteria provided, single submitter. Criteria: GeneDx Variant Classification Process June 2021. Collection method: clinical testing. Allele origin: germline. Affected: yes.
Comment: Not observed at significant frequency in large population cohorts (gnomAD); In silico analysis suggests that this missense variant does not alter protein structure/function; Has not been previously published as pathogenic or benign to our knowledge

Ambry Genetics
Classification: Uncertain significance for Inborn genetic diseases. Last evaluated: 2022-10-11. Review status: criteria provided, single submitter. Criteria: Ambry Variant Classification Scheme 2023. Collection method: clinical testing. Allele origin: germline.
Comment: The p.S198L variant (also known as c.593C>T), located in coding exon 7 of the ERCC2 gene, results from a C to T substitution at nucleotide position 593. The serine at codon 198 is replaced by leucine, an amino acid with dissimilar properties. This amino acid position is conserved. In addition, the in silico prediction for this alteration is inconclusive. Since supporting evidence is limited at this time, the clinical significance of this alteration remains unclear.

Blueprint Genetics
Classification: Uncertain significance. Last evaluated: 2021-04-08. Review status: criteria provided, single submitter. Criteria: ACMG Guidelines, 2015. Collection method: clinical testing. Allele origin: germline.